The following is an entry in ClinVar:

ClinVar aggregate classification (germline): Likely benign (1 of 4 stars; one submission).

gnomAD v4.1: 15 of 663,422 alleles (0.0023%); highest among the groups gnomAD compares: Non-Finnish European, 0.0034%; no homozygotes.

Submission:

CeGaT Center for Human Genetics Tuebingen
Classification: Likely benign. Last evaluated: 2025-09-01. Review status: criteria provided, single submitter. Criteria: CeGaT Center For Human Genetics Tuebingen Variant Classification Criteria Version 2. Collection method: clinical testing. Allele origin: germline. Affected: yes. Observed: 1 variant allele.
Comment: HCFC1: BP4, BS2

NM_005334.3(HCFC1):c.4498-98C>T

Gene: HCFC1 (host cell factor C1; minus strand). Cytogenetic location: Xq28.
Variant type: single nucleotide variant.
Coding change: c.4498-98C>T on transcript NM_005334.3 (MANE Select); 98 bases into the intron before coding-DNA position 4498, C replaced by T.
Molecular consequence: intron variant. On other transcripts: missense variant (6).
Genome position (GRCh38, 1-based): chrX:153,953,056, G>A on the plus strand (C>T on the coding strand, the complement: HCFC1 is on the minus strand). VCF-style: chrX-153953056-G-A. GRCh37 (hg19) VCF-style: chrX-153218507-G-A.
Other names: c.4532C>T, p.Ala1511Val (NM_001410705.1, NM_001440843.1, NM_001440844.1); c.4529C>T, p.Ala1510Val (NM_001440845.1, NM_001440846.1); c.4334C>T, p.Ala1445Val (NM_001440850.1); c.4300-98C>T (NM_001440851.1); c.4498-98C>T (NM_001440848.1, NM_001440849.1, NM_001440847.1); short protein forms A1445V, A1510V, A1511V.
Identifiers: ClinVar variation 4280820 (VCV004280820.7).